The following is an entry in ClinVar:

ClinVar aggregate classification (germline): Benign/Likely benign. Review status: criteria provided, multiple submitters, no conflicts (2 of 4 stars). 5 submissions from 5 submitters: Benign (1); Likely benign (3). 1 of the submissions does not count toward it. Last evaluated 2025-12-03.

Conditions:
EFTUD2-related disorder. Also called: EFTUD2-related condition.

Allele frequency attached by ClinVar (database versions not stated): gnomAD 0.00017 and 0.00019; TOPMed 0.00020; gnomAD exomes 0.00035; ExAC 0.00042.
gnomAD v4.1: 304 of 1,614,150 alleles (0.019%); highest among the groups gnomAD compares: South Asian, 0.17%; 2 homozygotes.

Submissions (5):

Labcorp Genetics (formerly Invitae), Labcorp
Classification: Likely benign. Last evaluated: 2025-12-03. Review status: criteria provided, single submitter. Criteria: Invitae Variant Classification Sherloc (09022015). Collection method: clinical testing. Allele origin: germline.

Blueprint Genetics
Classification: Likely benign. Last evaluated: 2024-11-19. Review status: criteria provided, single submitter. Criteria: ACMG Guidelines, 2015. Collection method: clinical testing. Allele origin: germline.

GeneDx
Classification: Benign. Last evaluated: 2020-09-01. Review status: criteria provided, single submitter. Criteria: GeneDx Variant Classification Process June 2021. Collection method: clinical testing. Allele origin: germline. Affected: yes.

Breakthrough Genomics
Classification: Likely benign. Review status: criteria provided, single submitter. Criteria: ACMG Guidelines, 2015. Collection method: not provided. Allele origin: germline. Inheritance: Autosomal dominant inheritance. Affected: yes.

PreventionGenetics, part of Exact Sciences
Classification: Likely benign for EFTUD2-related condition. Last evaluated: 2021-06-21. Review status: no assertion criteria provided. Collection method: clinical testing. Allele origin: germline. Not counted in ClinVar's aggregate classification.
Comment: This variant is classified as likely benign based on ACMG/AMP sequence variant interpretation guidelines (Richards et al. 2015 PMID: 25741868, with internal and published modifications).

NM_004247.4(EFTUD2):c.1363G>A (p.Gly455Ser)

Gene: EFTUD2 (elongation factor Tu GTP binding domain containing 2; minus strand). Cytogenetic location: 17q21.31.
Variant type: single nucleotide variant.
Coding change: c.1363G>A on transcript NM_004247.4 (MANE Select); coding-DNA position 1363, G replaced by A.
Protein change: p.Gly455Ser; replaces glycine 455 with serine.
Molecular consequence: missense variant.
Genome position (GRCh38, 1-based): chr17:44,863,705, C>T on the plus strand (G>A on the coding strand, the complement: EFTUD2 is on the minus strand). VCF-style: chr17-44863705-C-T. GRCh37 (hg19) VCF-style: chr17-42941073-C-T.
Other names: c.1258G>A, p.Gly420Ser (NM_001142605.2); c.1363G>A, p.Gly455Ser (NM_001258353.2); c.1333G>A, p.Gly445Ser (NM_001258354.2); short protein forms G420S, G445S, G455S.
Identifiers: ClinVar variation 1232876 (VCV001232876.15), dbSNP rs201465523, ClinGen allele CA090916.